The following is an entry in ClinVar:

NM_000593.6(TAP1):c.809G>A (p.Arg270His)

Gene: TAP1 (transporter 1, ATP binding cassette subfamily B member; minus strand). Cytogenetic location: 6p21.32.
Variant type: single nucleotide variant.
Coding change: c.809G>A on transcript NM_000593.6 (MANE Select); coding-DNA position 809, G replaced by A.
Protein change: p.Arg270His; replaces arginine 270 with histidine.
Molecular consequence: missense variant.
Genome position (GRCh38, 1-based): chr6:32,852,144, C>T on the plus strand (G>A on the coding strand, the complement: TAP1 is on the minus strand). VCF-style: chr6-32852144-C-T. GRCh37 (hg19) VCF-style: chr6-32819921-C-T.
Other names: c.206G>A, p.Arg69His (NM_001292022.2); short protein forms R330H, R69H, R270H.
Identifiers: ClinVar variation 466394 (VCV000466394.10), dbSNP rs140245535, ClinGen allele CA3746925.

ClinVar aggregate classification (germline): Conflicting classifications of pathogenicity. Review status: criteria provided, conflicting classifications (1 of 4 stars). 3 submissions from 3 submitters: Uncertain significance (2); Likely benign (1). Last evaluated 2026-02-12.

Conditions:
TAP1-related disorder. Also called: TAP1-related condition.
MHC class I deficiency. Identifiers: Orphanet 34592, MedGen C6024714, MONDO:0011476.

Allele frequency attached by ClinVar (database versions not stated): gnomAD exomes 0.00010; ExAC 0.00017; 1000 Genomes Project 0.00040; TOPMed 0.00056; gnomAD 0.00057 and 0.00061; ESP Exome Variant Server 0.00059; 1000 Genomes Project 30x 0.00062.

Submissions (3):

Women's Health and Genetics/Laboratory Corporation of America, LabCorp
Classification: Likely benign. Last evaluated: 2026-02-12. Review status: criteria provided, single submitter. Criteria: LabCorp Variant Classification Summary - May 2015. Collection method: clinical testing. Allele origin: germline.
Comment: Variant summary: TAP1 c.809G>A (p.Arg270His) results in a non-conservative amino acid change in the encoded protein sequence. Algorithms developed to predict the effect of missense changes on protein structure and function are either unavailable or do not agree on the potential impact of this missense change. The variant allele was found at a frequency of 0.0001 in 246674 control chromosomes, predominantly at a frequency of 0.0015 within the African or African-American subpopulation in the gnomAD database. The observed variant frequency within African or African-American control individuals in the gnomAD database exceeds the estimated maximal expected allele frequency for disease-causing variants in TAP1. To our knowledge, no occurrence of c.809G>A in individuals affected with TAP1-related conditions and no experimental evidence demonstrating its impact on protein function have been reported. ClinVar contains an entry for this variant (Variation ID: 466394). Based on the evidence outlined above, the variant was classified as likely benign.

PreventionGenetics, part of Exact Sciences
Classification: Uncertain significance for TAP1-related condition. Last evaluated: 2025-03-20. Review status: criteria provided, single submitter. Criteria: ACMG Guidelines, 2015. Collection method: clinical testing. Allele origin: germline.
Comment: The TAP1 c.989G>A variant is predicted to result in the amino acid substitution p.Arg330His. To our knowledge, this variant has not been reported in the literature. This variant is reported in 0.17% of alleles in individuals of African descent in gnomAD. Although we suspect that this variant may be benign, at this time, the clinical significance of this variant is uncertain due to the absence of conclusive functional and genetic evidence.

Labcorp Genetics (formerly Invitae), Labcorp
Classification: Uncertain significance for MHC class I deficiency 1. Last evaluated: 2024-10-29. Review status: criteria provided, single submitter. Criteria: Invitae Variant Classification Sherloc (09022015). Collection method: clinical testing. Allele origin: germline.
Comment: This sequence change replaces arginine, which is basic and polar, with histidine, which is basic and polar, at codon 330 of the TAP1 protein (p.Arg330His). This variant is present in population databases (rs140245535, gnomAD 0.2%). This variant has not been reported in the literature in individuals affected with TAP1-related conditions. ClinVar contains an entry for this variant (Variation ID: 466394). An algorithm developed to predict the effect of missense changes on protein structure and function outputs the following: PolyPhen-2: "Benign". The histidine amino acid residue is found in multiple mammalian species, which suggests that this missense change does not adversely affect protein function. In summary, the available evidence is currently insufficient to determine the role of this variant in disease. Therefore, it has been classified as a Variant of Uncertain Significance.